The following is an entry in ClinVar:

NM_145117.5(NAV2):c.6943G>A (p.Val2315Ile)

Gene: NAV2 (neuron navigator 2; plus strand). Cytogenetic location: 11p15.1.
Variant type: single nucleotide variant.
Coding change: c.6943G>A on transcript NM_145117.5 (MANE Select); coding-DNA position 6943, G replaced by A.
Protein change: p.Val2315Ile; replaces valine 2315 with isoleucine.
Molecular consequence: missense variant.
Genome position (GRCh38, 1-based): chr11:20,107,765, G>A. VCF-style: chr11-20107765-G-A. GRCh37 (hg19) VCF-style: chr11-20129311-G-A.
Other names: c.6751G>A, p.Val2251Ile (NM_001111018.2); c.4135G>A, p.Val1379Ile (NM_001111019.3); c.7120G>A, p.Val2374Ile (NM_001244963.2); c.6952G>A, p.Val2318Ile (NM_182964.6); short protein forms V1379I, V2251I, V2315I, V2318I, V2374I.
Identifiers: ClinVar variation 3056515 (VCV003056515.2), dbSNP rs35891966, ClinGen allele CA5919523.

ClinVar aggregate classification (germline): Benign (0 of 4 stars; one submission).

Conditions:
NAV2-related disorder. Also called: NAV2-related condition.

Allele frequency attached by ClinVar (database versions not stated): 1000 Genomes Project 30x 0.02171; 1000 Genomes Project 0.02236; TOPMed 0.03680; gnomAD 0.04462; ExAC 0.04599; ESP Exome Variant Server 0.04606; gnomAD exomes 0.06182.
gnomAD v4.1: 96,399 of 1,612,648 alleles (6%); highest among the groups gnomAD compares: Non-Finnish European, 7%; 3,391 homozygotes.

Submission:

PreventionGenetics, part of Exact Sciences
Classification: Benign for NAV2-related condition. Last evaluated: 2020-01-17. Review status: no assertion criteria provided. Collection method: clinical testing. Allele origin: germline.
Comment: This variant is classified as benign based on ACMG/AMP sequence variant interpretation guidelines (Richards et al. 2015 PMID: 25741868, with internal and published modifications).